The following is an entry in ClinVar:

ClinVar aggregate classification (germline): Pathogenic (1 of 4 stars; one submission).

Conditions:
X-linked myopathy with postural muscle atrophy. Also called: FHL1-Related Emery-Dreifuss Muscular Dystrophy, X-Linked. Identifiers: Orphanet 178461, MedGen C2678055, MONDO:0010401, OMIM 300696.

Submissions (2):

Labcorp Genetics (formerly Invitae), Labcorp
Classification: Pathogenic for X-linked myopathy with postural muscle atrophy. Last evaluated: 2019-11-18. Review status: criteria provided, single submitter. Criteria: Invitae Variant Classification Sherloc (09022015). Collection method: clinical testing. Allele origin: germline.
Comment: Donor and acceptor splice site variants typically lead to a loss of protein function (PMID: 16199547), and loss-of-function variants in FHL1 are known to be pathogenic (PMID: 18179888, 19687455, 19716112, 22523091, 24114807). For these reasons, this variant has been classified as Pathogenic. Algorithms developed to predict the effect of sequence changes on RNA splicing suggest that this variant may disrupt the consensus splice site, but this prediction has not been confirmed by published transcriptional studies. This variant has been observed in individual(s) with clinical features of FHL1-related conditions (Invitae). In at least one individual the variant was observed to be de novo. This variant is not present in population databases (ExAC no frequency). This sequence change affects a donor splice site in intron 4 of the FHL1 gene. It is expected to disrupt RNA splicing and likely results in an absent or disrupted protein product.

Dr. Peter K. Rogan Lab, Western University
No classification provided (evidence only). Condition: Thyroid cancer, nonmedullary, 1. Review status: no classification provided. Collection method: in vitro. Allele origin: not applicable. Functional consequence: retained intron. Not counted in ClinVar's aggregate classification.

Literature cited by the submitters: PubMed 16199547 (cited by Labcorp Genetics (formerly Invitae), Labcorp); PubMed 18179888 (cited by Labcorp Genetics (formerly Invitae), Labcorp); PubMed 19687455 (cited by Labcorp Genetics (formerly Invitae), Labcorp); PubMed 19716112 (cited by Labcorp Genetics (formerly Invitae), Labcorp); PubMed 22523091 (cited by Labcorp Genetics (formerly Invitae), Labcorp); PubMed 24114807 (cited by Labcorp Genetics (formerly Invitae), Labcorp).

NM_001159699.2(FHL1):c.379+1G>A

Gene: FHL1 (four and a half LIM domains 1; plus strand). Cytogenetic location: Xq26.3.
Variant type: single nucleotide variant.
Coding change: c.379+1G>A on transcript NM_001159699.2 (MANE Select); the canonical splice donor site of the intron after coding-DNA position 379, G replaced by A.
Molecular consequence: splice donor variant.
Genome position (GRCh38, 1-based): chrX:136,207,191, G>A. VCF-style: chrX-136207191-G-A. GRCh37 (hg19) VCF-style: chrX-135289350-G-A.
Other names: c.331+1G>A (NM_001159702.3, NM_001449.5, NM_001159703.2 and 9 more transcripts); c.418+1G>A (NM_001159701.2); c.379+1G>A (NM_001330659.2).
Identifiers: ClinVar variation 834991 (VCV000834991.11), dbSNP rs2073866799, ClinGen allele CA414608274.
Genomic context (GRCh38, chrX:136,207,191, plus strand): 5'-AGTGCACCACTCGGGAGGACTCCCCCAAGTGCAAGGGGTGCTTCAAGGCCATTGTGGCAG[G>A]TACTGCCTCCTTCCCACCCCGGGTTCCCAGGGAGGAGGCCCTGAGGGCAGACGTGATGTG-3'